The following is an entry in ClinVar:

ClinVar aggregate classification (germline): Benign. Review status: criteria provided, multiple submitters, no conflicts (2 of 4 stars). 3 submissions from 3 submitters: Benign (2). 1 of the submissions does not count toward it. Last evaluated 2020-08-14.

Conditions:
PLCZ1-related disorder. Also called: PLCZ1-related condition.

Allele frequency attached by ClinVar (database versions not stated): 1000 Genomes Project 0.00839; ESP Exome Variant Server 0.00900; 1000 Genomes Project 30x 0.00906.
gnomAD v4.1: 2,304 of 1,609,454 alleles (0.14%); highest among the groups gnomAD compares: African/African-American, 2.7%; 29 homozygotes.

Submissions (3):

Labcorp Genetics (formerly Invitae), Labcorp
Classification: Benign. Last evaluated: 2020-08-14. Review status: criteria provided, single submitter. Criteria: Invitae Variant Classification Sherloc (09022015). Collection method: clinical testing. Allele origin: germline.

Breakthrough Genomics
Classification: Benign. Review status: criteria provided, single submitter. Criteria: ACMG Guidelines, 2015. Collection method: not provided. Allele origin: germline. Inheritance: Autosomal recessive inheritance. Affected: yes.

PreventionGenetics, part of Exact Sciences
Classification: Benign for PLCZ1-related condition. Last evaluated: 2019-10-31. Review status: no assertion criteria provided. Collection method: clinical testing. Allele origin: germline. Not counted in ClinVar's aggregate classification.
Comment: This variant is classified as benign based on ACMG/AMP sequence variant interpretation guidelines (Richards et al. 2015 PMID: 25741868, with internal and published modifications).

NM_033123.4(PLCZ1):c.360C>G (p.Ile120Met)

Genes: PIK3C2G (phosphatidylinositol-4-phosphate 3-kinase catalytic subunit type 2 gamma; plus strand), PLCZ1 (phospholipase C zeta 1; minus strand). Cytogenetic location: 12p12.3.
Variant type: single nucleotide variant.
Coding change: c.360C>G on transcript NM_033123.4 (MANE Select); coding-DNA position 360, C replaced by G.
Protein change: p.Ile120Met; replaces isoleucine 120 with methionine.
Molecular consequence: missense variant. On other transcripts: intron variant (1).
Genome position (GRCh38, 1-based): chr12:18,723,318, G>C on the plus strand (C>G on the coding strand, the complement: PLCZ1 is on the minus strand). VCF-style: chr12-18723318-G-C. GRCh37 (hg19) VCF-style: chr12-18876252-G-C.
Other names: c.48C>G, p.Ile16Met (NM_001330774.2); c.135+12903C>G (NM_001330769.1); c.360C>G (NM_033123.3); short protein forms I120M, I16M.
Identifiers: ClinVar variation 1165259 (VCV001165259.11), dbSNP rs79487790, ClinGen allele CA6471526.